The following is an entry in ClinVar:

ClinVar aggregate classification (germline): Pathogenic (1 of 4 stars; one submission).

Conditions:
Leber congenital amaurosis 7 (LCA7). Identifiers: Orphanet 65, MedGen C3151192, MONDO:0013449, OMIM 613829.
Cone-rod dystrophy 2 (CORD2). Also called: CONE-ROD RETINAL DYSTROPHY; Cone-rod retinal dystrophy 2. Identifiers: Orphanet 1872, MedGen C3489532, MONDO:0007362, OMIM 120970.

Submission:

Labcorp Genetics (formerly Invitae), Labcorp
Classification: Pathogenic for Cone-rod dystrophy 2; Leber congenital amaurosis 7. Last evaluated: 2025-04-09. Review status: criteria provided, single submitter. Criteria: Invitae Variant Classification Sherloc (09022015). Collection method: clinical testing. Allele origin: germline.
Comment: This sequence change results in a frameshift in the CRX gene (p.Gly231Alafs*140). While this is not anticipated to result in nonsense mediated decay, it is expected to disrupt the last 69 amino acid(s) of the CRX protein and extend the protein by 70 additional amino acid residues. This variant is not present in population databases (gnomAD no frequency). This frameshift has been observed in individual(s) with Leber congenital amaurosis (PMID: 31626798). This variant disrupts a region of the CRX protein in which other variant(s) (p.Tyr258*) have been determined to be pathogenic (PMID: 22968130, 25270190). This suggests that this is a clinically significant region of the protein, and that variants that disrupt it are likely to be disease-causing. For these reasons, this variant has been classified as Pathogenic.

Literature cited by the submitters: PubMed 31626798; PubMed 22968130; PubMed 25270190.

NM_000554.6(CRX):c.692del (p.Gly231fs)

Gene: CRX (cone-rod homeobox; plus strand). Cytogenetic location: 19q13.33.
Variant type: Deletion.
Coding change: c.692del on transcript NM_000554.6 (MANE Select); coding-DNA position 692, one base deleted (G; older notation c.692delG).
Protein change: p.Gly231fs; shifts the reading frame from glycine 231.
Molecular consequence: frameshift variant.
Genome position (GRCh38, 1-based): chr19:47,839,759, G deleted; the last of 5 consecutive G bases (chr19:47,839,755-47,839,759); deleting any one gives the same sequence. VCF-style (leftmost placement, unchanged base first): chr19-47839754-AG-A. GRCh37 (hg19) VCF-style: chr19-48343011-AG-A.
Other names: short protein forms G231fs.
Identifiers: ClinVar variation 4794804 (VCV004794804.1).